The following is an entry in ClinVar:

ClinVar aggregate classification (germline): Likely benign. Review status: reviewed by expert panel (3 of 4 stars). 2 submissions from 2 submitters: Likely benign (1). 1 of the submissions does not count toward it. Last evaluated 2017-06-29.

Conditions:
Hereditary cancer-predisposing syndrome. Also called: Neoplastic Syndromes, Hereditary; Hereditary neoplastic syndrome; Tumor predisposition; Hereditary Cancer Syndrome. Identifiers: Orphanet 140162, MedGen C0027672, MeSH D009386, MONDO:0015356.
Breast-ovarian cancer, familial, susceptibility to, 1 (BROVCA1). Also called: BRCA1 Hereditary Breast and Ovarian Cancer; OVARIAN CANCER, SUSCEPTIBILITY TO. Identifiers: Orphanet 145, MedGen C2676676, MONDO:0011450, OMIM 604370. Disease mechanism: loss of function.

Submissions (2):

Evidence-based Network for the Interpretation of Germline Mutant Alleles (ENIGMA)
Classification: Likely benign for Breast-ovarian cancer, familial, susceptibility to, 1. Last evaluated: 2017-06-29. Review status: reviewed by expert panel. Criteria: ENIGMA BRCA1/2 Classification Criteria (2017-06-29). Collection method: curation. Allele origin: germline.
Comment: Synonymous substitution variant, with low bioinformatic likelihood to result in a splicing aberration (Splicing prior probability 0.02).

Ambry Genetics
Classification: Likely benign for Hereditary cancer-predisposing syndrome. Last evaluated: 2022-05-25. Review status: criteria provided, single submitter. Criteria: Ambry Variant Classification Scheme 2023. Collection method: clinical testing. Allele origin: germline. Not counted in ClinVar's aggregate classification.

NM_007294.4(BRCA1):c.4218G>A (p.Lys1406=)

Gene: BRCA1 (BRCA1 DNA repair associated; minus strand). Cytogenetic location: 17q21.31.
Variant type: single nucleotide variant.
Coding change: c.4218G>A on transcript NM_007294.4 (MANE Select); coding-DNA position 4218, G replaced by A.
Protein change: p.Lys1406=; no amino-acid change (lysine 1406 retained).
Molecular consequence: synonymous variant.
Genome position (GRCh38, 1-based): chr17:43,082,543, C>T on the plus strand (G>A on the coding strand, the complement: BRCA1 is on the minus strand). VCF-style: chr17-43082543-C-T. GRCh37 (hg19) VCF-style: chr17-41234560-C-T.
Other names: c.4005G>A, p.Lys1335= (NM_001407853.1, NM_001407894.1, NM_001407895.1 and 12 more transcripts); c.4218G>A, p.Lys1406= (NM_001407854.1, NM_001407858.1, NM_001407859.1 and 23 more transcripts); c.4215G>A, p.Lys1405= (NM_001407860.1, NM_001407861.1, NM_001407587.1 and 21 more transcripts); c.4017G>A, p.Lys1339= (NM_001407862.1); c.4095G>A, p.Lys1365= (NM_001407863.1, NM_001407919.1, NM_001407937.1 and 13 more transcripts); c.4014G>A, p.Lys1338= (NM_001407874.1, NM_001407875.1); c.4008G>A, p.Lys1336= (NM_001407879.1, NM_001407881.1, NM_001407882.1 and 9 more transcripts); c.4002G>A, p.Lys1334= (NM_001407915.1); and 51 more.
Identifiers: ClinVar variation 427252 (VCV000427252.6), dbSNP rs1800707, ClinGen allele CA500148422.